The following is an entry in ClinVar:

ClinVar aggregate classification (germline): Uncertain significance (1 of 4 stars; one submission).

Allele frequency attached by ClinVar (database versions not stated): gnomAD exomes below 0.00001.

Submission:

Labcorp Genetics (formerly Invitae), Labcorp
Classification: Uncertain significance. Last evaluated: 2022-04-23. Review status: criteria provided, single submitter. Criteria: Invitae Variant Classification Sherloc (09022015). Collection method: clinical testing. Allele origin: germline.
Comment: In summary, the available evidence is currently insufficient to determine the role of this variant in disease. Therefore, it has been classified as a Variant of Uncertain Significance. Algorithms developed to predict the effect of missense changes on protein structure and function (SIFT, PolyPhen-2, Align-GVGD) all suggest that this variant is likely to be disruptive. This variant has not been reported in the literature in individuals affected with NBAS-related conditions. This variant is not present in population databases (gnomAD no frequency). This sequence change replaces tyrosine, which is neutral and polar, with cysteine, which is neutral and slightly polar, at codon 1583 of the NBAS protein (p.Tyr1583Cys).

NM_015909.4(NBAS):c.4748A>G (p.Tyr1583Cys)

Gene: NBAS (NBAS subunit of NRZ tethering complex; minus strand). Cytogenetic location: 2p24.3.
Variant type: single nucleotide variant.
Coding change: c.4748A>G on transcript NM_015909.4 (MANE Select); coding-DNA position 4748, A replaced by G.
Protein change: p.Tyr1583Cys; replaces tyrosine 1583 with cysteine.
Molecular consequence: missense variant. On other transcripts: non-coding transcript variant (1).
Genome position (GRCh38, 1-based): chr2:15,308,265, T>C on the plus strand (A>G on the coding strand, the complement: NBAS is on the minus strand). VCF-style: chr2-15308265-T-C. GRCh37 (hg19) VCF-style: chr2-15448389-T-C.
Other names: short protein forms Y1583C.
Identifiers: ClinVar variation 2129651 (VCV002129651.4), dbSNP rs2528283082, ClinGen allele CA345893221.
Genomic context (GRCh38, chr2:15,308,265, plus strand): 5'-TGAAGACTCACCCTGTAAAGAGGATGGCACTTGTCCCTGAAACATGGGGCCAATCGGGCA[T>C]AGATCTGGAGGCTATAGTAATACGCTGCCAGCTGGAGAGATAATGCAGAGGGGGACTGCT-3'
Protein context (NP_056993.2, residues 1573-1593): LAAYYYSLQI[Tyr1583Cys]ARLAPCFRDK